The following is an entry in ClinVar:

ClinVar aggregate classification (germline): Uncertain significance (1 of 4 stars; one submission).

Conditions:
Bloom syndrome (BLM). Also called: Bloom-Torre-Machacek syndrome. Identifiers: Orphanet 125, MedGen C0005859, MONDO:0008876, OMIM 210900.

Submission:

Labcorp Genetics (formerly Invitae), Labcorp
Classification: Uncertain significance for Bloom syndrome. Last evaluated: 2022-01-07. Review status: criteria provided, single submitter. Criteria: Invitae Variant Classification Sherloc (09022015). Collection method: clinical testing. Allele origin: germline.
Comment: The frequency data for this variant in the population databases is considered unreliable, as metrics indicate poor data quality at this position in the gnomAD database. This variant, c.1695_1697del, results in the deletion of 1 amino acid(s) of the BLM protein (p.Asp566del), but otherwise preserves the integrity of the reading frame. This variant has not been reported in the literature in individuals affected with BLM-related conditions. In summary, the available evidence is currently insufficient to determine the role of this variant in disease. Therefore, it has been classified as a Variant of Uncertain Significance. Experimental studies and prediction algorithms are not available or were not evaluated, and the functional significance of this variant is currently unknown.

NM_000057.4(BLM):c.1683TGA[4] (p.Asp566del)

Gene: BLM (BLM RecQ like helicase; plus strand). Cytogenetic location: 15q26.1.
Variant type: Microsatellite.
Coding change: c.1683TGA[4] on transcript NM_000057.4 (MANE Select); four copies in a row of the 3-base unit TGA starting at c.1683; the reference has five copies in a row; one copy, 3 bases deleted.
Protein change: p.Asp566del; deletes aspartic acid 566.
Molecular consequence: inframe deletion.
Genome position (GRCh38, 1-based): chr15:90,761,068-90,761,070, TGA deleted; deleting any 3 consecutive bases within chr15:90,761,056-90,761,070 gives the same sequence; the position shown is the placement nearest the transcript's 3' end. VCF-style (leftmost placement, unchanged base first): chr15-90761055-TTGA-T. GRCh37 (hg19) VCF-style: chr15-91304285-TTGA-T.
Other names: c.1683TGA[4], p.Asp566del (NM_001287246.2, NM_001287247.2); c.558TGA[4], p.Asp191del (NM_001287248.2); short protein forms D191del, D566del.
Identifiers: ClinVar variation 1415476 (VCV001415476.8), dbSNP rs768095141, ClinGen allele CA7738572.
Genomic context (GRCh38, chr15:90,761,055, plus strand): 5'-ATGACTTAGAAAGAGAAACCCAACCTTCCTATGATATTGATAATTTTGACATAGATGACT[TTGA>T]TGATGATGATGACTGGGAAGACATAATGCATAATTTAGCAGCCAGCAAATCTTCCACAGC-3'